The following is an entry in ClinVar:

ClinVar aggregate classification (germline): Likely benign. Review status: criteria provided, multiple submitters, no conflicts (2 of 4 stars). 2 submissions from 2 submitters: Likely benign (2). Last evaluated 2026-09-01.

Conditions:
GLIS3-related disorder. Also called: GLIS3-related condition.

Submissions (2):

PreventionGenetics, part of Exact Sciences
Classification: Likely benign for GLIS3-related condition. Last evaluated: 2026-09-01. Review status: criteria provided, single submitter. Criteria: ACMG Guidelines, 2015. Collection method: clinical testing. Allele origin: germline.
Comment: This variant is classified as likely benign based on ACMG/AMP sequence variant interpretation guidelines (Richards et al. 2015 PMID: 25741868, with internal and published modifications).

Labcorp Genetics (formerly Invitae), Labcorp
Classification: Likely benign. Last evaluated: 2024-11-13. Review status: criteria provided, single submitter. Criteria: Invitae Variant Classification Sherloc (09022015). Collection method: clinical testing. Allele origin: germline.

NM_001042413.2(GLIS3):c.1873-23TTCT[3]

Gene: GLIS3 (GLIS family zinc finger 3; minus strand). Cytogenetic location: 9p24.2.
Variant type: Microsatellite.
Coding change: c.1873-23TTCT[3] on transcript NM_001042413.2 (MANE Select); three copies in a row of the 4-base unit TTCT starting at c.1873-23; the reference has four copies in a row; one copy, 4 bases deleted.
Molecular consequence: intron variant.
Genome position (GRCh38, 1-based): chr9:3,932,478-3,932,481, AGAA deleted on the plus strand (TTCT on the coding strand, the reverse complement: GLIS3 is on the minus strand); deleting any 4 consecutive bases within chr9:3,932,478-3,932,494 gives the same sequence; the position shown is the placement nearest the transcript's 3' end. VCF-style (leftmost placement, unchanged base first): chr9-3932477-GAGAA-G. GRCh37 (hg19) VCF-style: chr9-3932477-GAGAA-G.
Other names: c.1408-23TTCT[3] (NM_152629.4); c.1873-11_1873-8delTTCT (NM_001042413.1).
Identifiers: ClinVar variation 3715745 (VCV003715745.3).